The following is an entry in ClinVar:

NM_014319.5(LEMD3):c.29A>C (p.Gln10Pro)

Gene: LEMD3 (LEM domain containing 3; plus strand). Cytogenetic location: 12q14.3.
Variant type: single nucleotide variant.
Coding change: c.29A>C on transcript NM_014319.5 (MANE Select); coding-DNA position 29, A replaced by C.
Protein change: p.Gln10Pro; replaces glutamine 10 with proline.
Molecular consequence: missense variant.
Genome position (GRCh38, 1-based): chr12:65,169,625, A>C. VCF-style: chr12-65169625-A-C. GRCh37 (hg19) VCF-style: chr12-65563405-A-C.
Other names: c.29A>C, p.Gln10Pro (NM_001167614.2); short protein forms Q10P.
Identifiers: ClinVar variation 1419379 (VCV001419379.6), dbSNP rs1355290688, ClinGen allele CA385670808.

ClinVar aggregate classification (germline): Uncertain significance (1 of 4 stars; one submission).

Allele frequency attached by ClinVar (database versions not stated): gnomAD 0.00001.
gnomAD v4.1: 12 of 1,589,366 alleles (0.00076%); highest among the groups gnomAD compares: East Asian, 0.0023%; no homozygotes.

Submission:

Labcorp Genetics (formerly Invitae), Labcorp
Classification: Uncertain significance. Last evaluated: 2025-04-24. Review status: criteria provided, single submitter. Criteria: Invitae Variant Classification Sherloc (09022015). Collection method: clinical testing. Allele origin: germline.
Comment: This sequence change replaces glutamine, which is neutral and polar, with proline, which is neutral and non-polar, at codon 10 of the LEMD3 protein (p.Gln10Pro). This variant is present in population databases (no rsID available, gnomAD 0.005%). This variant has not been reported in the literature in individuals affected with LEMD3-related conditions. ClinVar contains an entry for this variant (Variation ID: 1419379). Invitae Evidence Modeling of protein sequence and biophysical properties (such as structural, functional, and spatial information, amino acid conservation, physicochemical variation, residue mobility, and thermodynamic stability) indicates that this missense variant is not expected to disrupt LEMD3 protein function with a negative predictive value of 80%. In summary, the available evidence is currently insufficient to determine the role of this variant in disease. Therefore, it has been classified as a Variant of Uncertain Significance.